The following is an entry in ClinVar:

ClinVar aggregate classification (germline): Pathogenic/Likely pathogenic. Review status: criteria provided, multiple submitters, no conflicts (2 of 4 stars). 2 submissions from 2 submitters: Pathogenic (1); Likely pathogenic (1). Last evaluated 2026-09-19.

Conditions:
Nephronophthisis 16 (NPHP16). Identifiers: Orphanet 655, MedGen C3809320, MONDO:0014158, OMIM 615382.
ANKS6-related disorder. Also called: ANKS6-related condition.

Submissions (2):

PreventionGenetics, part of Exact Sciences
Classification: Likely pathogenic for ANKS6-related condition. Last evaluated: 2026-09-19. Review status: criteria provided, single submitter. Criteria: ACMG Guidelines, 2015. Collection method: clinical testing. Allele origin: germline.
Comment: The ANKS6 c.694_718dup25 variant is predicted to result in a frameshift and premature protein termination (p.Val240Glyfs*21). To our knowledge, this variant has not been reported in the literature or in a large population database (gnomAD), indicating this variant is rare. Frameshift variants in ANKS6 are expected to be pathogenic. This variant is interpreted as likely pathogenic.

Labcorp Genetics (formerly Invitae), Labcorp
Classification: Pathogenic for Nephronophthisis 16. Last evaluated: 2018-03-22. Review status: criteria provided, single submitter. Criteria: Invitae Variant Classification Sherloc (09022015). Collection method: clinical testing. Allele origin: germline.
Comment: For these reasons, this variant has been classified as Pathogenic. Loss-of-function variants in ANKS6 are known to be pathogenic (PMID: 23793029, 25599650). This variant has not been reported in the literature in individuals with ANKS6-related disease. This variant is not present in population databases (ExAC no frequency). This sequence change creates a premature translational stop signal (p.Val240Glyfs*21) in the ANKS6 gene. It is expected to result in an absent or disrupted protein product.

Literature cited by the submitters: PubMed 23793029 (cited by Labcorp Genetics (formerly Invitae), Labcorp); PubMed 25599650 (cited by Labcorp Genetics (formerly Invitae), Labcorp).

NM_173551.5(ANKS6):c.694_718dup (p.Val240fs)

Gene: ANKS6 (ankyrin repeat and sterile alpha motif domain containing 6; minus strand). Cytogenetic location: 9q22.33.
Variant type: Duplication.
Coding change: c.694_718dup on transcript NM_173551.5 (MANE Select); coding-DNA positions 694 to 718, 25 bases duplicated (GCCGCACTCACTGGGCGGCTTGGAG).
Protein change: p.Val240fs; shifts the reading frame from valine 240.
Molecular consequence: frameshift variant.
Genome position (GRCh38, 1-based): chr9:98,790,248-98,790,272, CTCCAAGCCGCCCAGTGAGTGCGGC duplicated on the plus strand (GCCGCACTCACTGGGCGGCTTGGAG on the coding strand, the reverse complement: ANKS6 is on the minus strand); duplicating any 25 consecutive bases within chr9:98,790,248-98,790,273 gives the same sequence; the c. name uses the placement nearest the transcript's 3' end. VCF-style (leftmost placement, unchanged base first): chr9-98790247-A-ACTCCAAGCCGCCCAGTGAGTGCGGC. GRCh37 (hg19) VCF-style: chr9-101552529-A-ACTCCAAGCCGCCCAGTGAGTGCGGC.
Other names: c.694_718dup25 (NM_173551.4); short protein forms V240fs.
Identifiers: ClinVar variation 574976 (VCV000574976.7), dbSNP rs1564228101, ClinGen allele CA891843062.